The following is an entry in ClinVar:

NM_001098.3(ACO2):c.432+6C>T

Gene: ACO2 (aconitase 2; plus strand). Cytogenetic location: 22q13.2.
Variant type: single nucleotide variant.
Coding change: c.432+6C>T on transcript NM_001098.3 (MANE Select); 6 bases into the intron after coding-DNA position 432, C replaced by T.
Molecular consequence: intron variant.
Genome position (GRCh38, 1-based): chr22:41,508,055, C>T. VCF-style: chr22-41508055-C-T. GRCh37 (hg19) VCF-style: chr22-41904059-C-T.
Identifiers: ClinVar variation 1461642 (VCV001461642.6), dbSNP rs2146115957, ClinGen allele CA2573158211.

ClinVar aggregate classification (germline): Uncertain significance (1 of 4 stars; one submission).

Submission:

Labcorp Genetics (formerly Invitae), Labcorp
Classification: Uncertain significance. Last evaluated: 2021-11-05. Review status: criteria provided, single submitter. Criteria: Invitae Variant Classification Sherloc (09022015). Collection method: clinical testing. Allele origin: germline.
Comment: In summary, the available evidence is currently insufficient to determine the role of this variant in disease. Therefore, it has been classified as a Variant of Uncertain Significance. This sequence change falls in intron 3 of the ACO2 gene. It does not directly change the encoded amino acid sequence of the ACO2 protein. It affects a nucleotide within the consensus splice site. This variant is not present in population databases (gnomAD no frequency). This variant has not been reported in the literature in individuals affected with ACO2-related conditions. Variants that disrupt the consensus splice site are a relatively common cause of aberrant splicing (PMID: 17576681, 9536098). Algorithms developed to predict the effect of sequence changes on RNA splicing suggest that this variant is not likely to affect RNA splicing.

Literature cited by the submitters: PubMed 17576681; PubMed 9536098.